The following is an entry in ClinVar:

ClinVar aggregate classification (germline): Conflicting classifications of pathogenicity. Review status: criteria provided, conflicting classifications (1 of 4 stars). 14 submissions from 13 submitters: Uncertain significance (2); Benign (7); Likely benign (3). 2 of the submissions do not count toward it. Last evaluated 2026-03-01.

Conditions:
COL2A1-related disorder. Also called: COL2A1-related condition; COL2A1-related disorders.
Connective tissue disorder. Also called: Connective tissue disease. Identifiers: MedGen C0009782, MONDO:0003900.
Type 2 collagenopathy. Identifiers: Orphanet 93421, MedGen C2931073, MONDO:0022800.
Stickler syndrome type 1 (STL1). Also called: STICKLER SYNDROME, MEMBRANOUS VITREOUS TYPE; STICKLER SYNDROME, VITREOUS TYPE 1; ARTHROOPHTHALMOPATHY, HEREDITARY PROGRESSIVE; COL2A1-Related Stickler Syndrome. Identifiers: Orphanet 828, Orphanet 90653, MedGen C2020284, MONDO:0007160, OMIM 108300.

Allele frequency attached by ClinVar (database versions not stated): 1000 Genomes Project 30x 0.00109; 1000 Genomes Project 0.00140; TOPMed 0.00203; ESP Exome Variant Server 0.00231; gnomAD exomes 0.00231; gnomAD 0.00271 and 0.00278; ExAC 0.00275.
gnomAD v4.1: 5,612 of 1,612,844 alleles (0.35%); highest among the groups gnomAD compares: Non-Finnish European, 0.41%; 18 homozygotes.

Submissions (15):

CeGaT Center for Human Genetics Tuebingen
Classification: Benign. Last evaluated: 2026-03-01. Review status: criteria provided, single submitter. Criteria: CeGaT Center For Human Genetics Tuebingen Variant Classification Criteria Version 2. Collection method: clinical testing. Allele origin: germline. Affected: yes. Observed: 14 variant alleles.
Comment: COL2A1: BP4, BP7, BS1, BS2

Labcorp Genetics (formerly Invitae), Labcorp
Classification: Benign. Last evaluated: 2026-02-04. Review status: criteria provided, single submitter. Criteria: Invitae Variant Classification Sherloc (09022015). Collection method: clinical testing. Allele origin: germline.

PreventionGenetics, part of Exact Sciences
Classification: Benign for COL2A1-related condition. Last evaluated: 2025-07-29. Review status: criteria provided, single submitter. Criteria: ACMG Guidelines, 2015. Collection method: clinical testing. Allele origin: germline.
Comment: This variant is classified as benign based on ACMG/AMP sequence variant interpretation guidelines (Richards et al. 2015 PMID: 25741868, with internal and published modifications).

Blueprint Genetics
Classification: Likely benign. Last evaluated: 2024-11-21. Review status: criteria provided, single submitter. Criteria: ACMG Guidelines, 2015. Collection method: clinical testing. Allele origin: germline.

Women's Health and Genetics/Laboratory Corporation of America, LabCorp
Classification: Benign. Last evaluated: 2024-08-06. Review status: criteria provided, single submitter. Criteria: LabCorp Variant Classification Summary - May 2015. Collection method: clinical testing. Allele origin: germline.

ARUP Laboratories, Molecular Genetics and Genomics, ARUP Laboratories
Classification: Likely benign. Last evaluated: 2021-04-30. Review status: criteria provided, single submitter. Criteria: ARUP Molecular Germline Variant Investigation Process 2021. Collection method: clinical testing. Allele origin: germline.

GeneDx
Classification: Benign. Last evaluated: 2017-10-10. Review status: criteria provided, single submitter. Criteria: GeneDx Variant Classification (06012015). Collection method: clinical testing. Allele origin: germline. Affected: yes.
Comment: This variant is considered likely benign or benign based on one or more of the following criteria: it is a conservative change, it occurs at a poorly conserved position in the protein, it is predicted to be benign by multiple in silico algorithms, and/or has population frequency not consistent with disease.

Illumina Laboratory Services, Illumina
Classification: Benign for Stickler syndrome type 1. Last evaluated: 2017-04-27. Review status: criteria provided, single submitter. Criteria: ICSL Variant Classification Criteria 13 December 2019. Collection method: clinical testing. Allele origin: germline.
Comment: This variant was observed as part of a predisposition screen in an ostensibly healthy population. A literature search was performed for the gene, cDNA change, and amino acid change (where applicable). No publications were found based on this search. Allele frequency data from public databases was too high to be consistent with this variant causing disease. Therefore, this variant is classified as benign.

Illumina Laboratory Services, Illumina
Classification: Uncertain significance for Type II Collagenopathies. Last evaluated: 2017-04-27. Review status: criteria provided, single submitter. Criteria: ICSL Variant Classification Criteria 13 December 2019. Collection method: clinical testing. Allele origin: germline.

Center for Human Genetics, Inc
Classification: Uncertain significance for Connective tissue disorder. Last evaluated: 2016-11-01. Review status: criteria provided, single submitter. Criteria: ACMG Guidelines, 2015. Collection method: clinical testing. Allele origin: germline. Affected: yes.

Eurofins Ntd Llc (ga)
Classification: Benign. Last evaluated: 2015-12-14. Review status: criteria provided, single submitter. Criteria: EGL Classification Definitions 2015. Collection method: clinical testing. Allele origin: germline. Observed: 1 variant allele, 1 heterozygote.

Genomic Diagnostic Laboratory, Division of Genomic Diagnostics, Children's Hospital of Philadelphia
Classification: Likely benign. Last evaluated: 2015-07-29. Review status: criteria provided, single submitter. Criteria: DGD Variant Analysis Guidelines. Collection method: clinical testing. Allele origin: unknown.

Clinical Genetics DNA and cytogenetics Diagnostics Lab, Erasmus MC, Erasmus Medical Center
Classification: Likely benign. Review status: no assertion criteria provided. Collection method: clinical testing. Allele origin: germline. Affected: yes. Study: VKGL Data-share Consensus. Not counted in ClinVar's aggregate classification.

Clinical Genetics, Academic Medical Center
Classification: Likely benign. Review status: no assertion criteria provided. Collection method: clinical testing. Allele origin: germline. Affected: yes. Study: VKGL Data-share Consensus. Not counted in ClinVar's aggregate classification.

Dr. Peter K. Rogan Lab, Western University
No classification provided (evidence only). Condition: Melanoma. Review status: no classification provided. Collection method: in vitro. Allele origin: not applicable. Functional consequence: retained intron. Not counted in ClinVar's aggregate classification.

NM_001844.5(COL2A1):c.2574C>T (p.Gly858=)

Gene: COL2A1 (collagen type II alpha 1 chain; minus strand). Cytogenetic location: 12q13.11.
Variant type: single nucleotide variant.
Coding change: c.2574C>T on transcript NM_001844.5 (MANE Select); coding-DNA position 2574, C replaced by T.
Protein change: p.Gly858=; no amino-acid change (glycine 858 retained).
Molecular consequence: synonymous variant.
Genome position (GRCh38, 1-based): chr12:47,980,605, G>A on the plus strand (C>T on the coding strand, the complement: COL2A1 is on the minus strand). VCF-style: chr12-47980605-G-A. GRCh37 (hg19) VCF-style: chr12-48374388-G-A.
Other names: c.2367C>T, p.Gly789= (NM_033150.3).
Identifiers: ClinVar variation 252593 (VCV000252593.57), dbSNP rs141423593, ClinGen allele CA6535052.